The following is an entry in ClinVar:

NM_001378120.1(MBD5):c.3726_3729dup (p.Ala1244fs)

Gene: MBD5 (methyl-CpG binding domain protein 5; plus strand). Cytogenetic location: 2q23.1.
Variant type: Duplication.
Coding change: c.3726_3729dup on transcript NM_001378120.1 (MANE Select); coding-DNA positions 3726 to 3729, 4 bases duplicated (CATG; older notation c.3726_3729dupCATG).
Protein change: p.Ala1244fs; shifts the reading frame from alanine 1244.
Molecular consequence: frameshift variant.
Genome position (GRCh38, 1-based): chr2:148,485,923-148,485,926, CATG duplicated. VCF-style (leftmost placement, unchanged base first): chr2-148485922-C-CCATG. GRCh37 (hg19) VCF-style: chr2-149243491-C-CCATG.
Other names: c.3027_3030dup, p.Ala1011fs (NM_018328.5); short protein forms A1011fs, A1244fs.
Identifiers: ClinVar variation 2855209 (VCV002855209.3), dbSNP rs2469997179, ClinGen allele CA2739271424.

ClinVar aggregate classification (germline): Pathogenic (1 of 4 stars; one submission).

Conditions:
Intellectual developmental disorder, autosomal dominant 1. Also called: MBD5 Haploinsufficiency; Intellectual disability, autosomal dominant 1. Identifiers: Orphanet 228402, MedGen C1969562, MONDO:0007974, OMIM 156200.

Submission:

Labcorp Genetics (formerly Invitae), Labcorp
Classification: Pathogenic for Intellectual developmental disorder, autosomal dominant 1. Last evaluated: 2023-04-22. Review status: criteria provided, single submitter. Criteria: Invitae Variant Classification Sherloc (09022015). Collection method: clinical testing. Allele origin: germline.
Comment: This variant has not been reported in the literature in individuals affected with MBD5-related conditions. For these reasons, this variant has been classified as Pathogenic. This variant is not present in population databases (gnomAD no frequency). This sequence change creates a premature translational stop signal (p.Ala1011Hisfs*34) in the MBD5 gene. It is expected to result in an absent or disrupted protein product. Loss-of-function variants in MBD5 are known to be pathogenic (PMID: 23422940, 23587880).

Literature cited by the submitters: PubMed 23422940; PubMed 23587880.